The following is an entry in ClinVar:

NM_001018005.2(TPM1):c.802A>G (p.Lys268Glu)

Gene: TPM1 (tropomyosin 1; plus strand). Cytogenetic location: 15q22.2.
Variant type: single nucleotide variant.
Coding change: c.802A>G on transcript NM_001018005.2 (MANE Select); coding-DNA position 802, A replaced by G.
Protein change: p.Lys268Glu; replaces lysine 268 with glutamic acid.
Molecular consequence: missense variant. On other transcripts: intron variant (12).
Genome position (GRCh38, 1-based): chr15:63,064,093, A>G. VCF-style: chr15-63064093-A-G. GRCh37 (hg19) VCF-style: chr15-63356292-A-G.
Other names: c.802A>G, p.Lys268Glu (NM_000366.6, NM_001301244.2, NM_001365779.1); c.694A>G, p.Lys232Glu (NM_001330346.2, NM_001365781.2, NM_001365782.1); c.898+1448A>G (NM_001365778.1); c.772+1448A>G (NM_001018020.2, NM_001018007.2, NM_001018006.2 and 3 more transcripts); c.664+1448A>G (NM_001330351.2, NM_001330344.2, NM_001018008.2 and 2 more transcripts); short protein forms K268E, K232E.
Identifiers: ClinVar variation 506242 (VCV000506242.6), dbSNP rs1555410433, ClinGen allele CA392725126.

ClinVar aggregate classification (germline): Conflicting classifications of pathogenicity. Review status: criteria provided, conflicting classifications (1 of 4 stars). 2 submissions from 2 submitters: Likely pathogenic (1); Uncertain significance (1). Last evaluated 2024-03-07.

Conditions:
Hypertrophic cardiomyopathy 3. Also called: TPM1-Related Familial Hypertrophic Cardiomyopathy. Identifiers: MedGen C1861863, MONDO:0007267, OMIM 115196.

Submissions (2):

North West Genomic Laboratory Hub, Manchester University NHS Foundation Trust
Classification: Likely pathogenic for Hypertrophic cardiomyopathy 3. Last evaluated: 2024-03-07. Review status: criteria provided, single submitter. Criteria: ACGS Best Practice Guidelines for Variant Classification in Rare Disease 2020. Collection method: clinical testing. Allele origin: germline. Affected: yes.
Comment: PM2_Mod PM6_Supp PP2_Supp PP3_Supp PS4_Supp

Laboratory for Molecular Medicine, Mass General Brigham Personalized Medicine
Classification: Uncertain significance. Last evaluated: 2017-12-15. Review status: criteria provided, single submitter. Criteria: LMM Criteria. Collection method: clinical testing. Allele origin: germline. Observed: 1 variant allele.
Comment: The p.Lys268Glu variant in TPM1 has not been previously reported in individuals with cardiomyopathy or in large population studies. Computational prediction too ls and conservation analysis do not provide strong support for or against an imp act to the protein. In summary, the clinical significance of the p.Lys268Glu var iant is uncertain. ACMG/AMP Criteria applied: PM2.